The following is an entry in ClinVar:

NC_000005.9:g.(?_6599351)_(6607498_6609938)dup

Gene: NSUN2 (NOP2/Sun RNA methyltransferase 2; minus strand). Cytogenetic location: 5p15.31.
Variant type: Duplication.
Identifiers: ClinVar variation 4847541 (VCV004847541.1).

ClinVar aggregate classification (germline): Uncertain significance (1 of 4 stars; one submission).

Submission:

Women's Health and Genetics/Laboratory Corporation of America, LabCorp
Classification: Uncertain significance. Last evaluated: 2026-03-02. Review status: criteria provided, single submitter. Criteria: LabCorp Variant Classification Summary - May 2015. Collection method: clinical testing. Allele origin: germline.
Comment: Variant summary: The variant involves the duplication of exons 13-19 in the NSUN2 gene. A presumed nomenclature of c.(1323+1_1324-1)_(*688_?)dup has been designated for the purposes of this classification. The exact breakpoint at the 3' end of this variant is unknown, therefore this duplication may extend downstream of the annotated region of the gene. As it duplicates the termination codon, its effect on the encoded protein is unknown. The variant was absent in 21660 control chromosomes. The available data on variant occurrences in the general population are insufficient to allow any conclusion about variant significance. To our knowledge, no occurrence of c.(1323+1_1324-1)_(*688_?)dup in individuals affected with NSUN2-related conditions and no experimental evidence demonstrating its impact on protein function have been reported. No submitters have cited clinical-significance assessments for this variant to ClinVar. Based on the evidence outlined above, the variant was classified as uncertain significance.